The following is an entry in ClinVar:

ClinVar aggregate classification (germline): Likely benign (1 of 4 stars; one submission).

Allele frequency attached by ClinVar (database versions not stated): TOPMed 0.00006; ESP Exome Variant Server 0.00024.
gnomAD v4.1: 35 of 1,603,946 alleles (0.0022%); highest among the groups gnomAD compares: African/African-American, 0.023%; no homozygotes.

Submission:

GeneDx
Classification: Likely benign. Last evaluated: 2018-03-06. Review status: criteria provided, single submitter. Criteria: GeneDx Variant Classification (06012015). Collection method: clinical testing. Allele origin: germline. Affected: yes.
Comment: This variant is considered likely benign or benign based on one or more of the following criteria: it is a conservative change, it occurs at a poorly conserved position in the protein, it is predicted to be benign by multiple in silico algorithms, and/or has population frequency not consistent with disease.

NM_012335.4(MYO1F):c.1102-4G>A

Gene: MYO1F (myosin IF; minus strand). Cytogenetic location: 19p13.2.
Variant type: single nucleotide variant.
Coding change: c.1102-4G>A on transcript NM_012335.4 (MANE Select); 4 bases into the intron before coding-DNA position 1102, G replaced by A.
Molecular consequence: intron variant.
Genome position (GRCh38, 1-based): chr19:8,548,321, C>T on the plus strand (G>A on the coding strand, the complement: MYO1F is on the minus strand). VCF-style: chr19-8548321-C-T. GRCh37 (hg19) VCF-style: chr19-8613205-C-T.
Other names: c.1090-4G>A (NM_001348355.2).
Identifiers: ClinVar variation 515613 (VCV000515613.1), dbSNP rs188180684, ClinGen allele CA9159427.
Genomic context (GRCh38, chr19:8,548,321, plus strand): 5'-GTCCAGCACACCGATGCTGTACTCTTCCTGGGGTTTCTGCATAGCACGGTTGATGGCCTG[C>T]GGTGTGGGTGGGGACAGGAAGTCAGTGGGCATCGGTCAGATCTGAAGCCCCTGCCCACCA-3'